The following is an entry in ClinVar:

NM_033305.3(VPS13A):c.5567T>A (p.Leu1856Ter)

Gene: VPS13A (vacuolar protein sorting 13 homolog A; plus strand). Cytogenetic location: 9q21.2.
Variant type: single nucleotide variant.
Coding change: c.5567T>A on transcript NM_033305.3 (MANE Select); coding-DNA position 5567, T replaced by A.
Protein change: p.Leu1856Ter; replaces leucine 1856 with a stop codon.
Molecular consequence: nonsense.
Genome position (GRCh38, 1-based): chr9:77,321,320, T>A. VCF-style: chr9-77321320-T-A. GRCh37 (hg19) VCF-style: chr9-79936236-T-A.
Other names: c.5450T>A, p.Leu1817Ter (NM_001018037.2); c.5567T>A, p.Leu1856Ter (NM_001018038.3, NM_015186.4); short protein forms L1817*, L1856*.
Identifiers: ClinVar variation 2118628 (VCV002118628.4), dbSNP rs2538007740, ClinGen allele CA373862920.

ClinVar aggregate classification (germline): Pathogenic (1 of 4 stars; one submission).

Submission:

Labcorp Genetics (formerly Invitae), Labcorp
Classification: Pathogenic. Last evaluated: 2022-03-28. Review status: criteria provided, single submitter. Criteria: Invitae Variant Classification Sherloc (09022015). Collection method: clinical testing. Allele origin: germline.
Comment: For these reasons, this variant has been classified as Pathogenic. This variant has not been reported in the literature in individuals affected with VPS13A-related conditions. This variant is not present in population databases (gnomAD no frequency). This sequence change creates a premature translational stop signal (p.Leu1856*) in the VPS13A gene. It is expected to result in an absent or disrupted protein product. Loss-of-function variants in VPS13A are known to be pathogenic (PMID: 12404112, 21598378).

Literature cited by the submitters: PubMed 12404112; PubMed 21598378.